The following is an entry in ClinVar:

NM_000083.3(CLCN1):c.224A>T (p.Asp75Val)

Gene: CLCN1 (chloride voltage-gated channel 1; plus strand). Cytogenetic location: 7q34.
Variant type: single nucleotide variant.
Coding change: c.224A>T on transcript NM_000083.3 (MANE Select); coding-DNA position 224, A replaced by T.
Protein change: p.Asp75Val; replaces aspartic acid 75 with valine.
Molecular consequence: missense variant. On other transcripts: non-coding transcript variant (1).
Genome position (GRCh38, 1-based): chr7:143,319,798, A>T. VCF-style: chr7-143319798-A-T. GRCh37 (hg19) VCF-style: chr7-143016891-A-T.
Other names: short protein forms D75V.
Identifiers: ClinVar variation 648845 (VCV000648845.8), dbSNP rs1586483060, ClinGen allele CA369680541.

ClinVar aggregate classification (germline): Uncertain significance (1 of 4 stars; one submission).

Conditions:
Congenital myotonia, autosomal dominant form (THD). Also called: THOMSEN DISEASE; Myotonia congenita autosomal dominant. Identifiers: Orphanet 614, MedGen C2936781, MONDO:0008055, OMIM 160800.
Congenital myotonia, autosomal recessive form. Also called: BECKER DISEASE; Becker Generalized Myotonia; myotonia congenita, autosomal recessive. Identifiers: Orphanet 614, MedGen C0751360, MONDO:0009715, OMIM 255700.

Submission:

Labcorp Genetics (formerly Invitae), Labcorp
Classification: Uncertain significance for Congenital myotonia, autosomal recessive form; Congenital myotonia, autosomal dominant form. Last evaluated: 2018-10-19. Review status: criteria provided, single submitter. Criteria: Invitae Variant Classification Sherloc (09022015). Collection method: clinical testing. Allele origin: germline.
Comment: In summary, the available evidence is currently insufficient to determine the role of this variant in disease. Therefore, it has been classified as a Variant of Uncertain Significance. Algorithms developed to predict the effect of sequence changes on RNA splicing suggest that this variant may create or strengthen a splice site, but this prediction has not been confirmed by published transcriptional studies. Algorithms developed to predict the effect of missense changes on protein structure and function (SIFT, PolyPhen-2, Align-GVGD) all suggest that this variant is likely to be tolerated, but these predictions have not been confirmed by published functional studies and their clinical significance is uncertain. This variant has not been reported in the literature in individuals with CLCN1-related disease. This variant is not present in population databases (ExAC no frequency). This sequence change replaces aspartic acid with valine at codon 75 of the CLCN1 protein (p.Asp75Val). The aspartic acid residue is weakly conserved and there is a large physicochemical difference between aspartic acid and valine.